The following is an entry in ClinVar:

NM_000321.3(RB1):c.2207A>C (p.Gln736Pro)

Gene: RB1 (RB transcriptional corepressor 1; plus strand). Cytogenetic location: 13q14.2.
Variant type: single nucleotide variant.
Coding change: c.2207A>C on transcript NM_000321.3 (MANE Select); coding-DNA position 2207, A replaced by C.
Protein change: p.Gln736Pro; replaces glutamine 736 with proline.
Molecular consequence: missense variant.
Genome position (GRCh38, 1-based): chr13:48,463,831, A>C. VCF-style: chr13-48463831-A-C. GRCh37 (hg19) VCF-style: chr13-49037967-A-C.
Other names: short protein forms Q736P.
Identifiers: ClinVar variation 820862 (VCV000820862.15), dbSNP rs1372842030, ClinGen allele CA388167228.

ClinVar aggregate classification (germline): Uncertain significance. Review status: criteria provided, multiple submitters, no conflicts (2 of 4 stars). 3 submissions from 3 submitters: Uncertain significance (3). Last evaluated 2026-08-07.

Conditions:
Retinoblastoma (RB1). Also called: RETINOBLASTOMA, SOMATIC. Identifiers: Orphanet 790, MedGen C0035335, MeSH D012175, MONDO:0008380, OMIM 180200, HP:0009919. Disease mechanism: loss of function. Inheritance: Both sporadic and heritable forms are tested..
Hereditary cancer-predisposing syndrome. Also called: Tumor predisposition; Hereditary Cancer Syndrome; Neoplastic Syndromes, Hereditary; Hereditary neoplastic syndrome. Identifiers: Orphanet 140162, MedGen C0027672, MeSH D009386, MONDO:0015356.

Allele frequency attached by ClinVar (database versions not stated): gnomAD exomes below 0.00001; TOPMed below 0.00001.
gnomAD v4.1: 2 of 1,585,954 alleles (0.00013%); highest among the groups gnomAD compares: Non-Finnish European, 0.00017%; no homozygotes.

Submissions (3):

Ambry Genetics
Classification: Uncertain significance for Hereditary cancer-predisposing syndrome. Last evaluated: 2026-08-07. Review status: criteria provided, single submitter. Criteria: Ambry Variant Classification Scheme 2023. Collection method: clinical testing. Allele origin: germline.
Comment: The p.Q736P variant (also known as c.2207A>C), located in coding exon 21 of the RB1 gene, results from an A to C substitution at nucleotide position 2207. The glutamine at codon 736 is replaced by proline, an amino acid with similar properties. This amino acid position is highly conserved in available vertebrate species. In addition, this alteration is predicted to be deleterious by in silico analysis. Since supporting evidence is limited at this time, the clinical significance of this alteration remains unclear.

Labcorp Genetics (formerly Invitae), Labcorp
Classification: Uncertain significance for Retinoblastoma. Last evaluated: 2025-07-13. Review status: criteria provided, single submitter. Criteria: Invitae Variant Classification Sherloc (09022015). Collection method: clinical testing. Allele origin: germline.
Comment: This sequence change replaces glutamine, which is neutral and polar, with proline, which is neutral and non-polar, at codon 736 of the RB1 protein (p.Gln736Pro). This variant is not present in population databases (gnomAD no frequency). This variant has not been reported in the literature in individuals affected with RB1-related conditions. ClinVar contains an entry for this variant (Variation ID: 820862). Invitae Evidence Modeling of protein sequence and biophysical properties (such as structural, functional, and spatial information, amino acid conservation, physicochemical variation, residue mobility, and thermodynamic stability) indicates that this missense variant is not expected to disrupt RB1 protein function with a negative predictive value of 80%. In summary, the available evidence is currently insufficient to determine the role of this variant in disease. Therefore, it has been classified as a Variant of Uncertain Significance.

GeneDx
Classification: Uncertain significance. Last evaluated: 2025-06-17. Review status: criteria provided, single submitter. Criteria: GeneDx Variant Classification Process June 2021. Collection method: clinical testing. Allele origin: germline. Affected: yes.
Comment: Not observed at significant frequency in large population cohorts (gnomAD); In silico analysis supports that this missense variant has a deleterious effect on protein structure/function; Has not been previously published as pathogenic or benign to our knowledge; This variant is associated with the following publications: (PMID: 23516486)